The following is an entry in ClinVar:

ClinVar aggregate classification (germline): Uncertain significance (1 of 4 stars; one submission).

Conditions:
Hereditary cancer-predisposing syndrome. Also called: Hereditary Cancer Syndrome; Hereditary neoplastic syndrome; Tumor predisposition; Neoplastic Syndromes, Hereditary. Identifiers: Orphanet 140162, MedGen C0027672, MeSH D009386, MONDO:0015356.

Submission:

Ambry Genetics
Classification: Uncertain significance for Hereditary cancer-predisposing syndrome. Last evaluated: 2020-06-24. Review status: criteria provided, single submitter. Criteria: Ambry Variant Classification Scheme 2023. Collection method: clinical testing. Allele origin: germline.
Comment: The p.R367I variant (also known as c.1100G>T), located in coding exon 8 of the RAD50 gene, results from a G to T substitution at nucleotide position 1100. The arginine at codon 367 is replaced by isoleucine, an amino acid with similar properties. This amino acid position is highly conserved in available vertebrate species. In addition, the in silico prediction for this alteration is inconclusive. Since supporting evidence is limited at this time, the clinical significance of this alteration remains unclear.

NM_005732.4(RAD50):c.1100G>T (p.Arg367Ile)

Gene: RAD50 (RAD50 double strand break repair protein; plus strand). Cytogenetic location: 5q31.1.
Variant type: single nucleotide variant.
Coding change: c.1100G>T on transcript NM_005732.4 (MANE Select); coding-DNA position 1100, G replaced by T.
Protein change: p.Arg367Ile; replaces arginine 367 with isoleucine.
Molecular consequence: missense variant.
Genome position (GRCh38, 1-based): chr5:132,588,735, G>T. VCF-style: chr5-132588735-G-T. GRCh37 (hg19) VCF-style: chr5-131924427-G-T.
Other names: short protein forms R367I.
Identifiers: ClinVar variation 1792343 (VCV001792343.2), dbSNP rs1750642114, ClinGen allele CA360942319.